The following is an entry in ClinVar:

ClinVar aggregate classification (germline): Uncertain significance (1 of 4 stars; one submission).

Conditions:
Tuberous sclerosis 2 (TSC2). Identifiers: Orphanet 805, MedGen C1860707, MONDO:0013199, OMIM 613254.

gnomAD v4.1: 1 of 1,613,154 alleles (0.000062%); highest among the groups gnomAD compares: Non-Finnish European, 0.000085%; no homozygotes.

Submission:

Labcorp Genetics (formerly Invitae), Labcorp
Classification: Uncertain significance for Tuberous sclerosis 2. Last evaluated: 2024-06-03. Review status: criteria provided, single submitter. Criteria: Invitae Variant Classification Sherloc (09022015). Collection method: clinical testing. Allele origin: germline.
Comment: This sequence change replaces glycine, which is neutral and non-polar, with valine, which is neutral and non-polar, at codon 956 of the TSC2 protein (p.Gly956Val). This variant is not present in population databases (gnomAD no frequency). This variant has not been reported in the literature in individuals affected with TSC2-related conditions. ClinVar contains an entry for this variant (Variation ID: 1477349). Advanced modeling of protein sequence and biophysical properties (such as structural, functional, and spatial information, amino acid conservation, physicochemical variation, residue mobility, and thermodynamic stability) performed at Invitae indicates that this missense variant is not expected to disrupt TSC2 protein function with a negative predictive value of 95%. In summary, the available evidence is currently insufficient to determine the role of this variant in disease. Therefore, it has been classified as a Variant of Uncertain Significance.

NM_000548.5(TSC2):c.2867G>T (p.Gly956Val)

Gene: TSC2 (TSC complex subunit 2; plus strand). Cytogenetic location: 16p13.3.
Variant type: single nucleotide variant.
Coding change: c.2867G>T on transcript NM_000548.5 (MANE Select); coding-DNA position 2867, G replaced by T.
Protein change: p.Gly956Val; replaces glycine 956 with valine.
Molecular consequence: missense variant. On other transcripts: intron variant (9).
Genome position (GRCh38, 1-based): chr16:2,077,627, G>T. VCF-style: chr16-2077627-G-T. GRCh37 (hg19) VCF-style: chr16-2127628-G-T.
Other names: c.2867G>T, p.Gly956Val (NM_001114382.3); c.2837+1042G>T (NM_021055.3, NM_001370405.1, NM_001363528.2 and 2 more transcripts); c.2726+1042G>T (NM_001318827.2); c.2237+1042G>T (NM_001318831.2); c.2690+1042G>T (NM_001318829.2); c.2870+1042G>T (NM_001318832.2); short protein forms G956V.
Identifiers: ClinVar variation 1477349 (VCV001477349.7), dbSNP rs2151413781, ClinGen allele CA394280930.